The following is an entry in ClinVar:

ClinVar aggregate classification (germline): Uncertain significance. Review status: criteria provided, single submitter (1 of 4 stars). 2 submissions from 1 submitter: Uncertain significance (1). 1 of the submissions does not count toward it. Last evaluated 2022-09-02.

Conditions:
Torsion dystonia 6 (DYT6). Also called: DYT-THAP1. Identifiers: Orphanet 98806, MedGen C1414216, MONDO:0011264, OMIM 602629.

Submissions (2):

Labcorp Genetics (formerly Invitae), Labcorp
Classification: Uncertain significance for Torsion dystonia 6. Last evaluated: 2022-09-02. Review status: criteria provided, single submitter. Criteria: Invitae Variant Classification Sherloc (09022015). Collection method: clinical testing. Allele origin: germline.
Comment: A copy number gain of the genomic region encompassing the full coding sequence of the THAP1 gene has been identified. The boundaries of this event are unknown as they extend beyond the assayed region for this gene and therefore may encompass additional genes. As the precise location of this event is unknown, it may be in tandem or it may be located elsewhere in the genome. This variant has not been reported in the literature in individuals affected with THAP1-related conditions. In summary, the available evidence is currently insufficient to determine the role of this variant in disease. Therefore, it has been classified as a Variant of Uncertain Significance.

Labcorp Genetics (formerly Invitae), Labcorp
Classification: Uncertain significance. Last evaluated: 2022-09-02. Review status: flagged submission. Criteria: Invitae Variant Classification Sherloc (09022015). Collection method: clinical testing. Allele origin: germline. Not counted in ClinVar's aggregate classification.
Comment: A copy number gain of the genomic region encompassing the full coding sequence of the KAT6A gene has been identified. The boundaries of this event are unknown as they extend beyond the assayed region for this gene and therefore may encompass additional genes. As the precise location of this event is unknown, it may be in tandem or it may be located elsewhere in the genome. This variant has not been reported in the literature in individuals affected with KAT6A-related conditions. In summary, the available evidence is currently insufficient to determine the role of this variant in disease. Therefore, it has been classified as a Variant of Uncertain Significance.
ClinVar note: Reason: This record appears to be redundant with a more recent record from the same submitter.
ClinVar note: Notes: SCV003791549 appears to be redundant with SCV003795137.

NC_000008.10:g.(?_41518984)_(43054712_?)dup

Genes: HOOK3 (hook microtubule tethering protein 3; plus strand), SMIM19 (small integral membrane protein 19; plus strand), AP3M2 (adaptor related protein complex 3 subunit mu 2; plus strand), THAP1 (THAP domain containing 1; minus strand), DKK4 (dickkopf Wnt signaling pathway inhibitor 4; minus strand) and 13 more. Cytogenetic location: 8p11.21.
Variant type: Duplication.
Identifiers: ClinVar variation 2425642 (VCV002425642.4).